The following is an entry in ClinVar:

NC_000023.10:g.(?_32379145)_(32472969_?)dup

Gene: DMD (dystrophin; minus strand). Cytogenetic location: Xp21.1.
Variant type: Duplication.
Identifiers: ClinVar variation 2424962 (VCV002424962.5).

ClinVar aggregate classification (germline): Uncertain significance (1 of 4 stars; one submission).

Conditions:
Duchenne muscular dystrophy (DMD). Also called: Duchenne Muscular Dystrophy (DMD); MUSCULAR DYSTROPHY, PSEUDOHYPERTROPHIC PROGRESSIVE, DUCHENNE TYPE. Identifiers: Orphanet 98896, MedGen C0013264, MONDO:0010679, OMIM 310200.

Submission:

Labcorp Genetics (formerly Invitae), Labcorp
Classification: Uncertain significance for Duchenne muscular dystrophy. Last evaluated: 2022-09-01. Review status: criteria provided, single submitter. Criteria: Invitae Variant Classification Sherloc (09022015). Collection method: clinical testing. Allele origin: germline.
Comment: In summary, the available evidence is currently insufficient to determine the role of this variant in disease. Therefore, it has been classified as a Variant of Uncertain Significance. Experimental studies and prediction algorithms are not available or were not evaluated, and the functional significance of this variant is currently unknown. This variant has not been reported in the literature in individuals affected with DMD-related conditions. This variant results in a copy number gain of the genomic region encompassing exon(s) 26-37 of the DMD gene. While the exact position of this variant cannot be determined from the data, sub-genic copy number gains are generally in tandem (PMID: 25640679). This variant is predicted to be in-frame, and likely preserves the integrity of the reading frame.

Literature cited by the submitters: PubMed 25640679.